The following is an entry in ClinVar:

ClinVar aggregate classification (germline): Likely benign. Review status: criteria provided, multiple submitters, no conflicts (2 of 4 stars). 4 submissions from 4 submitters: Likely benign (4). Last evaluated 2026-07-08.

Conditions:
MFN2-related disorder. Also called: MFN2-related disorders; MFN2-related condition.
Inborn genetic diseases. Identifiers: MedGen C0950123, MeSH D030342.
Charcot-Marie-Tooth disease type 2. Also called: Charcot-Marie-Tooth type 2. Identifiers: Orphanet 64746, MedGen C0270914, MONDO:0018993.

Allele frequency attached by ClinVar (database versions not stated): ExAC 0.00002; TOPMed 0.00002; gnomAD 0.00003; gnomAD exomes 0.00003.
gnomAD v4.1: 52 of 1,614,218 alleles (0.0032%); highest among the groups gnomAD compares: Non-Finnish European, 0.0039%; no homozygotes.

Submissions (4):

PreventionGenetics, part of Exact Sciences
Classification: Likely benign for MFN2-related condition. Last evaluated: 2026-07-08. Review status: criteria provided, single submitter. Criteria: ACMG Guidelines, 2015. Collection method: clinical testing. Allele origin: germline.
Comment: This variant is classified as likely benign based on ACMG/AMP sequence variant interpretation guidelines (Richards et al. 2015 PMID: 25741868, with internal and published modifications).

Labcorp Genetics (formerly Invitae), Labcorp
Classification: Likely benign for Charcot-Marie-Tooth disease type 2. Last evaluated: 2024-12-02. Review status: criteria provided, single submitter. Criteria: Invitae Variant Classification Sherloc (09022015). Collection method: clinical testing. Allele origin: germline.

Ambry Genetics
Classification: Likely benign for Inborn genetic diseases. Last evaluated: 2019-07-11. Review status: criteria provided, single submitter. Criteria: Ambry Variant Classification Scheme 2023. Collection method: clinical testing. Allele origin: germline.

GeneDx
Classification: Likely benign. Last evaluated: 2017-10-31. Review status: criteria provided, single submitter. Criteria: GeneDx Variant Classification (06012015). Collection method: clinical testing. Allele origin: germline. Affected: yes.
Comment: This variant is considered likely benign or benign based on one or more of the following criteria: it is a conservative change, it occurs at a poorly conserved position in the protein, it is predicted to be benign by multiple in silico algorithms, and/or has population frequency not consistent with disease.

NM_014874.4(MFN2):c.1113G>A (p.Ala371=)

Gene: MFN2 (mitofusin 2; plus strand). Cytogenetic location: 1p36.22.
Variant type: single nucleotide variant.
Coding change: c.1113G>A on transcript NM_014874.4 (MANE Select); coding-DNA position 1113, G replaced by A.
Protein change: p.Ala371=; no amino-acid change (alanine 371 retained).
Molecular consequence: synonymous variant.
Genome position (GRCh38, 1-based): chr1:12,002,056, G>A. VCF-style: chr1-12002056-G-A. GRCh37 (hg19) VCF-style: chr1-12062113-G-A.
Other names: c.1113G>A, p.Ala371= (NM_001127660.2).
Identifiers: ClinVar variation 387915 (VCV000387915.13), dbSNP rs766570486, ClinGen allele CA599012.